The following is an entry in ClinVar:

NM_014363.6(SACS):c.458-2A>C

Gene: SACS (sacsin molecular chaperone; minus strand). Cytogenetic location: 13q12.12.
Variant type: single nucleotide variant.
Coding change: c.458-2A>C on transcript NM_014363.6 (MANE Select); the canonical splice acceptor site of the intron before coding-DNA position 458, A replaced by C.
Molecular consequence: splice acceptor variant.
Genome position (GRCh38, 1-based): chr13:23,358,483, T>G on the plus strand (A>C on the coding strand, the complement: SACS is on the minus strand). VCF-style: chr13-23358483-T-G. GRCh37 (hg19) VCF-style: chr13-23932622-T-G.
Other names: c.17-2A>C (NM_001278055.2).
Identifiers: ClinVar variation 1493710 (VCV001493710.6), dbSNP rs2137743517, ClinGen allele CA387552197.
Genomic context (GRCh38, chr13:23,358,483, plus strand): 5'-AATGCCGTGCCAGTCCTCTGGGGTGAAAACCGCGTTGTTGTACACATAGAGAGCTGGCCC[T>G]AGGTGTGAAAATGCGCAGGCAGGAATTCAAAAAAGATACCAGGGTGTTCTGTTCTATCTC-3'

ClinVar aggregate classification (germline): Likely pathogenic (1 of 4 stars; one submission).

Conditions:
Spastic paraplegia. Identifiers: MedGen C0037772, HP:0001258.

Allele frequency attached by ClinVar (database versions not stated): gnomAD exomes below 0.00001.
gnomAD v4.1: 4 of 1,614,142 alleles (0.00025%); highest among the groups gnomAD compares: Non-Finnish European, 0.00034%; no homozygotes.

Submission:

Labcorp Genetics (formerly Invitae), Labcorp
Classification: Likely pathogenic for Spastic paraplegia. Last evaluated: 2021-09-15. Review status: criteria provided, single submitter. Criteria: Invitae Variant Classification Sherloc (09022015). Collection method: clinical testing. Allele origin: germline.
Comment: In summary, the currently available evidence indicates that the variant is pathogenic, but additional data are needed to prove that conclusively. Therefore, this variant has been classified as Likely Pathogenic. Algorithms developed to predict the effect of sequence changes on RNA splicing suggest that this variant may disrupt the consensus splice site. This variant has not been reported in the literature in individuals affected with SACS-related conditions. This variant is not present in population databases (ExAC no frequency). This sequence change affects an acceptor splice site in intron 6 of the SACS gene. It is expected to disrupt RNA splicing. Variants that disrupt the donor or acceptor splice site typically lead to a loss of protein function (PMID: 16199547), and loss-of-function variants in SACS are known to be pathogenic (PMID: 18465152, 20876471).

Literature cited by the submitters: PubMed 16199547; PubMed 18465152; PubMed 20876471.